The following is an entry in ClinVar:

ClinVar aggregate classification (germline): Likely pathogenic (0 of 4 stars; one submission).

Conditions:
Pontocerebellar hypoplasia type 10. Identifiers: Orphanet 411493, MedGen C5190575, MONDO:0014349, OMIM 615803.

Submission:

Solve-RD Consortium
Classification: Likely pathogenic for Pontocerebellar hypoplasia type 10. Last evaluated: 2024-06-01. Review status: no assertion criteria provided. Collection method: provider interpretation. Allele origin: germline. Affected: yes.
Comment: This CNV was confirmed by the submitting clinician to impact a gene that corresponds with the phenotype of the affected individual, and thus deemed to be causative for their condition.

Literature cited by the submitters: PubMed 39825153.

GRCh37/hg19 11q12.1(chr11:57003258-57596656)x3

Genes: APLNR (apelin receptor; minus strand), BTBD18 (BTB domain containing 18; minus strand), CLP1 (cleavage factor polyribonucleotide kinase subunit 1; plus strand), CTNND1 (catenin delta 1; plus strand), MED19 (mediator complex subunit 19; minus strand) and 17 more. Cytogenetic location: 11q12.1.
Variant type: copy number gain.
Change: copy number 3 (three copies instead of two) of chr11:57,003,258-57,596,656 (593.4 kb, GRCh37 coordinates, 1-based), cytogenetic band 11q12.1.
Identifiers: ClinVar variation 3338459 (VCV003338459.1).